The following is an entry in ClinVar:

ClinVar aggregate classification (germline): Uncertain significance (1 of 4 stars; one submission).

Allele frequency attached by ClinVar (database versions not stated): TOPMed 0.00004 and 0.00003; gnomAD 0.00001.
gnomAD v4.1: 8 of 1,550,568 alleles (0.00052%); highest among the groups gnomAD compares: Admixed American, 0.0059%; no homozygotes.

Submission:

Laboratory for Molecular Medicine, Mass General Brigham Personalized Medicine
Classification: Uncertain significance. Last evaluated: 2017-12-07. Review status: criteria provided, single submitter. Criteria: LMM Criteria. Collection method: clinical testing. Allele origin: germline. Observed: 1 variant allele.
Comment: The p.Ala983Thr variant in OTOG has not been previously reported in individuals with hearing loss, but has been identified in 2/23850 of Latino chromosomes and 1/52108 European chromosomes by the Genome Aggregation Database (gnomAD; dbSNP rs897016393). Although this variant has been se en in the general population, its frequency is not high enough to rule out a pat hogenic role. Computational prediction tools and conservation analysis do not pr ovide strong support for or against an impact to the protein. In summary, the cl inical significance of the p.Ala983Thr variant is uncertain. ACMG/AMP criteria a pplied: PM2

NM_001292063.2(OTOG):c.2911G>A (p.Ala971Thr)

Gene: OTOG (otogelin; plus strand). Cytogenetic location: 11p15.1.
Variant type: single nucleotide variant.
Coding change: c.2911G>A on transcript NM_001292063.2 (MANE Select); coding-DNA position 2911, G replaced by A.
Protein change: p.Ala971Thr; replaces alanine 971 with threonine.
Molecular consequence: missense variant.
Genome position (GRCh38, 1-based): chr11:17,591,493, G>A. VCF-style: chr11-17591493-G-A. GRCh37 (hg19) VCF-style: chr11-17613040-G-A.
Other names: c.2947G>A, p.Ala983Thr (NM_001277269.2); short protein forms A983T, A971T.
Identifiers: ClinVar variation 506196 (VCV000506196.5), dbSNP rs897016393, ClinGen allele CA218459247.
Genomic context (GRCh38, chr11:17,591,493, plus strand): 5'-GGGCATGTGTTTTTCAGTGTGTGCCAGCGGGGCTCATTCCAGTGCACCCTGCACCCTTGC[G>A]CCTCCACCTGCACTGCCTATGGGGACCGGCATTACCGCACGTTTGATGGGCTCCCGTTTG-3'
Protein context (NP_001278992.1, residues 961-981): GSFQCTLHPC[Ala971Thr]STCTAYGDRH